The following is an entry in ClinVar:

ClinVar aggregate classification (germline): Pathogenic (1 of 4 stars; one submission).

Allele frequency attached by ClinVar (database versions not stated): gnomAD exomes below 0.00001; ExAC 0.00001; gnomAD 0.00001.

Submission:

Labcorp Genetics (formerly Invitae), Labcorp
Classification: Pathogenic. Last evaluated: 2024-02-11. Review status: criteria provided, single submitter. Criteria: Invitae Variant Classification Sherloc (09022015). Collection method: clinical testing. Allele origin: germline.
Comment: This sequence change creates a premature translational stop signal (p.Glu419Asnfs*2) in the HPS5 gene. It is expected to result in an absent or disrupted protein product. Loss-of-function variants in HPS5 are known to be pathogenic (PMID: 12548288, 15296495, 21833017, 26785811). This variant is present in population databases (rs781068928, gnomAD 0.01%). This variant has not been reported in the literature in individuals affected with HPS5-related conditions. For these reasons, this variant has been classified as Pathogenic.

Literature cited by the submitters: PubMed 12548288; PubMed 15296495; PubMed 21833017; PubMed 26785811.

NM_181507.2(HPS5):c.1255del (p.Glu419fs)

Gene: HPS5 (HPS5 biogenesis of lysosomal organelles complex 2 subunit 2; minus strand). Cytogenetic location: 11p15.1.
Variant type: Deletion.
Coding change: c.1255del on transcript NM_181507.2 (MANE Select); coding-DNA position 1255, one base deleted (G; older notation c.1255delG).
Protein change: p.Glu419fs; shifts the reading frame from glutamic acid 419.
Molecular consequence: frameshift variant.
Genome position (GRCh38, 1-based): chr11:18,297,627, C deleted on the plus strand (G on the coding strand, the reverse complement: HPS5 is on the minus strand). VCF-style (leftmost placement, unchanged base first): chr11-18297626-TC-T. GRCh37 (hg19) VCF-style: chr11-18319173-TC-T.
Other names: c.913del, p.Glu305fs (NM_007216.4); c.913delG, p.Glu305Asnfs (NM_181508.2); short protein forms E305fs, E419fs.
Identifiers: ClinVar variation 2842683 (VCV002842683.3), dbSNP rs781068928, ClinGen allele CA5910188.